The following is an entry in ClinVar:

NM_002872.5(RAC2):c.449-18G>T

Gene: RAC2 (Rac family small GTPase 2; minus strand). Cytogenetic location: 22q13.1.
Variant type: single nucleotide variant.
Coding change: c.449-18G>T on transcript NM_002872.5 (MANE Select); 18 bases into the intron before coding-DNA position 449, G replaced by T.
Molecular consequence: intron variant.
Genome position (GRCh38, 1-based): chr22:37,226,821, C>A on the plus strand (G>T on the coding strand, the complement: RAC2 is on the minus strand). VCF-style: chr22-37226821-C-A. GRCh37 (hg19) VCF-style: chr22-37622861-C-A.
Other names: c.449-18G>T (LRG_97t1).
Identifiers: ClinVar variation 378455 (VCV000378455.12), dbSNP rs73889256, ClinGen allele CA10217476.

ClinVar aggregate classification (germline): Benign/Likely benign. Review status: criteria provided, multiple submitters, no conflicts (2 of 4 stars). 4 submissions from 4 submitters: Benign (1); Likely benign (3). Last evaluated 2026-02-02.

Conditions:
Neutrophil immunodeficiency syndrome. Also called: Immunodeficiency 73A with defective neutrophil chemotaxis and leukocytosis. Identifiers: Orphanet 183707, MedGen C1842398, MONDO:0011988, OMIM 608203.

Allele frequency attached by ClinVar (database versions not stated): ESP Exome Variant Server 0.00461; 1000 Genomes Project 0.00499; gnomAD exomes 0.00040 and 0.00103; ExAC 0.00137; gnomAD 0.00381 and 0.00403; TOPMed 0.00418; 1000 Genomes Project 30x 0.00437.
gnomAD v4.1: 1,172 of 1,610,294 alleles (0.073%); highest among the groups gnomAD compares: African/African-American, 1.4%; 11 homozygotes.

Submissions (4):

Labcorp Genetics (formerly Invitae), Labcorp
Classification: Benign for Neutrophil immunodeficiency syndrome. Last evaluated: 2026-02-02. Review status: criteria provided, single submitter. Criteria: Invitae Variant Classification Sherloc (09022015). Collection method: clinical testing. Allele origin: germline.

Women's Health and Genetics/Laboratory Corporation of America, LabCorp
Classification: Likely benign. Last evaluated: 2026-01-23. Review status: criteria provided, single submitter. Criteria: LabCorp Variant Classification Summary - May 2015. Collection method: clinical testing. Allele origin: germline.

Blueprint Genetics
Classification: Likely benign. Last evaluated: 2024-11-06. Review status: criteria provided, single submitter. Criteria: ACMG Guidelines, 2015. Collection method: clinical testing. Allele origin: germline.

GeneDx
Classification: Likely benign. Last evaluated: 2016-10-14. Review status: criteria provided, single submitter. Criteria: GeneDx Variant Classification (06012015). Collection method: clinical testing. Allele origin: germline. Affected: yes.
Comment: This variant is considered likely benign or benign based on one or more of the following criteria: it is a conservative change, it occurs at a poorly conserved position in the protein, it is predicted to be benign by multiple in silico algorithms, and/or has population frequency not consistent with disease.